The following is an entry in ClinVar:

ClinVar aggregate classification (germline): Uncertain significance (1 of 4 stars; one submission).

Conditions:
Rhabdoid tumor predisposition syndrome 2 (RTPS2). Identifiers: Orphanet 231108, Orphanet 69077, MedGen C2750074, MONDO:0013224, OMIM 613325.

Allele frequency attached by ClinVar (database versions not stated): gnomAD exomes below 0.00001.
gnomAD v4.1: 1 of 1,614,194 alleles (0.000062%); highest among the groups gnomAD compares: South Asian, 0.0011%; no homozygotes.

Submission:

Labcorp Genetics (formerly Invitae), Labcorp
Classification: Uncertain significance for Rhabdoid tumor predisposition syndrome 2. Last evaluated: 2022-11-01. Review status: criteria provided, single submitter. Criteria: Invitae Variant Classification Sherloc (09022015). Collection method: clinical testing. Allele origin: germline.
Comment: In summary, the available evidence is currently insufficient to determine the role of this variant in disease. Therefore, it has been classified as a Variant of Uncertain Significance. Advanced modeling of protein sequence and biophysical properties (such as structural, functional, and spatial information, amino acid conservation, physicochemical variation, residue mobility, and thermodynamic stability) has been performed at Invitae for this missense variant, however the output from this modeling did not meet the statistical confidence thresholds required to predict the impact of this variant on SMARCA4 protein function. ClinVar contains an entry for this variant (Variation ID: 841731). This variant has not been reported in the literature in individuals affected with SMARCA4-related conditions. This variant is not present in population databases (gnomAD no frequency). This sequence change replaces tyrosine, which is neutral and polar, with cysteine, which is neutral and slightly polar, at codon 552 of the SMARCA4 protein (p.Tyr552Cys).

NM_003072.5(SMARCA4):c.1655A>G (p.Tyr552Cys)

Gene: SMARCA4 (SWI/SNF related BAF chromatin remodeling complex subunit ATPase 4; plus strand). Cytogenetic location: 19p13.2.
Variant type: single nucleotide variant.
Coding change: c.1655A>G on transcript NM_003072.5 (MANE Select); coding-DNA position 1655, A replaced by G.
Protein change: p.Tyr552Cys; replaces tyrosine 552 with cysteine.
Molecular consequence: missense variant. On other transcripts: non-coding transcript variant (1).
Genome position (GRCh38, 1-based): chr19:10,996,274, A>G. VCF-style: chr19-10996274-A-G. GRCh37 (hg19) VCF-style: chr19-11106950-A-G.
Other names: c.1655A>G, p.Tyr552Cys (NM_001128844.3, NM_001128845.2, NM_001128846.2 and 4 more transcripts); short protein forms Y552C.
Identifiers: ClinVar variation 841731 (VCV000841731.9), dbSNP rs2087031445, ClinGen allele CA404064348.
Genomic context (GRCh38, chr19:10,996,274, plus strand): 5'-CTGAAGATGAGGAGGGGTACCGCAAGCTCATCGACCAGAAGAAGGACAAGCGCCTGGCCT[A>G]CCTCTTGCAGCAGACAGACGAGTACGTGGCTAACCTCACGGAGCTGGTGCGGCAGCACAA-3'
Protein context (NP_003063.2, residues 542-562): IDQKKDKRLA[Tyr552Cys]LLQQTDEYVA